The following is an entry in ClinVar:

NM_181426.2(CCDC39):c.1252del (p.Ala418fs)

Gene: CCDC39 (coiled-coil domain 39 molecular ruler complex subunit; minus strand). Cytogenetic location: 3q26.33.
Variant type: Deletion.
Coding change: c.1252del on transcript NM_181426.2 (MANE Select); coding-DNA position 1252, one base deleted (G; older notation c.1252delG).
Protein change: p.Ala418fs; shifts the reading frame from alanine 418.
Molecular consequence: frameshift variant.
Genome position (GRCh38, 1-based): chr3:180,648,275, C deleted on the plus strand (G on the coding strand, the reverse complement: CCDC39 is on the minus strand). VCF-style (leftmost placement, unchanged base first): chr3-180648274-GC-G. GRCh37 (hg19) VCF-style: chr3-180366062-GC-G.
Other names: short protein forms A418fs.
Identifiers: ClinVar variation 2750917 (VCV002750917.3), dbSNP rs2473810026, ClinGen allele CA2697556983.
Genomic context (GRCh38, chr3:180,648,274, plus strand): 5'-TGTAACTGATGGTTGAGATGTTTCAGAGAGGAACGAGTTCCTTCAATTTCTGATAAAACA[GC>G]TTTTTCTTTCATTGTCTCAGTCTGTAACTCCTGAGCTTTCTTAAACAGCACACCTTTTAT-3'

ClinVar aggregate classification (germline): Pathogenic (1 of 4 stars; one submission).

Conditions:
Primary ciliary dyskinesia. Also called: Ciliary dyskinesia. Identifiers: Orphanet 244, MedGen C0008780, MONDO:0016575, HP:0012265.

Submission:

Labcorp Genetics (formerly Invitae), Labcorp
Classification: Pathogenic for Primary ciliary dyskinesia. Last evaluated: 2023-08-07. Review status: criteria provided, single submitter. Criteria: Invitae Variant Classification Sherloc (09022015). Collection method: clinical testing. Allele origin: germline.
Comment: This sequence change creates a premature translational stop signal (p.Ala418Leufs*13) in the CCDC39 gene. It is expected to result in an absent or disrupted protein product. Loss-of-function variants in CCDC39 are known to be pathogenic (PMID: 21131972, 23255504). This variant is not present in population databases (gnomAD no frequency). For these reasons, this variant has been classified as Pathogenic. This variant has not been reported in the literature in individuals affected with CCDC39-related conditions.

Literature cited by the submitters: PubMed 21131972; PubMed 23255504.